The following is an entry in ClinVar:

NM_001852.4(COL9A2):c.529_532del (p.Asn177fs)

Gene: COL9A2 (collagen type IX alpha 2 chain; minus strand). Cytogenetic location: 1p34.2.
Variant type: Deletion.
Coding change: c.529_532del on transcript NM_001852.4 (MANE Select); coding-DNA positions 529 to 532, 4 bases deleted (AACT; older notation c.529_532delAACT).
Protein change: p.Asn177fs; shifts the reading frame from asparagine 177.
Molecular consequence: frameshift variant.
Genome position (GRCh38, 1-based): chr1:40,311,274-40,311,277, AGTT deleted on the plus strand (AACT on the coding strand, the reverse complement: COL9A2 is on the minus strand). VCF-style (leftmost placement, unchanged base first): chr1-40311273-CAGTT-C. GRCh37 (hg19) VCF-style: chr1-40776945-CAGTT-C.
Other names: short protein forms N177fs.
Identifiers: ClinVar variation 1962137 (VCV001962137.4), dbSNP rs1204763173, ClinGen allele CA735734503.

ClinVar aggregate classification (germline): Pathogenic (1 of 4 stars; one submission).

Allele frequency attached by ClinVar (database versions not stated): gnomAD exomes below 0.00001; gnomAD 0.00001; TOPMed 0.00001.

Submission:

Labcorp Genetics (formerly Invitae), Labcorp
Classification: Pathogenic. Last evaluated: 2022-10-18. Review status: criteria provided, single submitter. Criteria: Invitae Variant Classification Sherloc (09022015). Collection method: clinical testing. Allele origin: germline.
Comment: For these reasons, this variant has been classified as Pathogenic. This variant has not been reported in the literature in individuals affected with COL9A2-related conditions. This variant is not present in population databases (gnomAD no frequency). This sequence change creates a premature translational stop signal (p.Asn177Valfs*5) in the COL9A2 gene. It is expected to result in an absent or disrupted protein product. Loss-of-function variants in COL9A2 are known to be pathogenic (PMID: 21671392, 33356723).

Literature cited by the submitters: PubMed 21671392; PubMed 33356723.